The following is an entry in ClinVar:

ClinVar aggregate classification (germline): Uncertain significance (1 of 4 stars; one submission).

Conditions:
Neurodevelopmental disorder with seizures, microcephaly, and brain abnormalities (NEDSMBA). Identifiers: MedGen C5774209, MONDO:0859283, OMIM 620024.

gnomAD v4.1: 960 of 1,614,140 alleles (0.059%); highest among the groups gnomAD compares: Non-Finnish European, 0.077%; 1 homozygote.

Submission:

Pittsburgh Clinical Genomics Laboratory, University of Pittsburgh Medical Center
Classification: Uncertain significance for Neurodevelopmental disorder with seizures, microcephaly, and brain abnormalities. Last evaluated: 2024-02-27. Review status: criteria provided, single submitter. Criteria: ACMG Guidelines, 2015. Collection method: clinical testing. Allele origin: germline. Inheritance: Autosomal recessive inheritance. Affected: yes.
Comment: This sequence variant is a single nucleotide substitution (C>T) at position 2012 of the coding sequence of the PPFIBP1 gene that results in a threonine to methionine amino acid change at residue 671 of the PPFIA binding protein 1. This residue falls in a sterile alpha motif which plays a critical role in protein-protein interactions (PMID: 35830857). This variant is absent from ClinVar and has not been observed in an individual affected by a PPFIBP1-related disorder in the published literature, to our knowledge. This variant is present in 960 of 1,614,140 alleles (0.06%) in the gnomAD v4.0.0 population dataset. Multiple bioinformatic tools predict that this amino acid change would be damaging, and the Thr671 residue at this position is highly conserved across the vertebrate species examined. Studies examining the functional consequence of this variant have not been published, to our knowledge. At this time, there is insufficient evidence to determine if this variant is pathogenic or benign. Therefore, we consider this a variant of uncertain significance. ACMG Criteria: PP3

Literature cited by the submitters: PubMed 35830857.

NM_003622.4(PPFIBP1):c.2012C>T (p.Thr671Met)

Gene: PPFIBP1 (PPFIA binding protein 1; plus strand). Cytogenetic location: 12p11.22.
Variant type: single nucleotide variant.
Coding change: c.2012C>T on transcript NM_003622.4 (MANE Select); coding-DNA position 2012, C replaced by T.
Protein change: p.Thr671Met; replaces threonine 671 with methionine.
Molecular consequence: missense variant.
Genome position (GRCh38, 1-based): chr12:27,681,662, C>T. VCF-style: chr12-27681662-C-T. GRCh37 (hg19) VCF-style: chr12-27834595-C-T.
Other names: c.1571C>T, p.Thr524Met (NM_001198915.2); c.1937C>T, p.Thr646Met (NM_001198916.2); c.2030C>T, p.Thr677Met (NM_177444.3); short protein forms T524M, T646M, T671M, T677M.
Identifiers: ClinVar variation 3376434 (VCV003376434.1).
Genomic context (GRCh38, chr12:27,681,662, plus strand): 5'-TGGAACAGGGCTTGGGCTCGTACCTGAATTCTGGCAAGCACTGGATTGCATCTGGCCAAA[C>T]GCTTTTGCAGGCTTCTCAACAAGATCTAGAGAAGGTGACTGCTTCTCTGTTTTGTTCACA-3'
Protein context (NP_003613.4, residues 661-681): SGKHWIASGQ[Thr671Met]LLQASQQDLE